The following is an entry in ClinVar:

NM_001999.4(FBN2):c.3473-1G>C

Gene: FBN2 (fibrillin 2; minus strand). Cytogenetic location: 5q23.3.
Variant type: single nucleotide variant.
Coding change: c.3473-1G>C on transcript NM_001999.4 (MANE Select); the canonical splice acceptor site of the intron before coding-DNA position 3473, G replaced by C.
Molecular consequence: splice acceptor variant.
Genome position (GRCh38, 1-based): chr5:128,338,123, C>G on the plus strand (G>C on the coding strand, the complement: FBN2 is on the minus strand). VCF-style: chr5-128338123-C-G. GRCh37 (hg19) VCF-style: chr5-127673815-C-G.
Identifiers: ClinVar variation 1313761 (VCV001313761.2), dbSNP rs2126902237, ClinGen allele CA360759623.

ClinVar aggregate classification (germline): Uncertain significance (1 of 4 stars; one submission).

Submission:

GeneDx
Classification: Uncertain significance. Last evaluated: 2020-12-24. Review status: criteria provided, single submitter. Criteria: GeneDx Variant Classification Process June 2021. Collection method: clinical testing. Allele origin: germline. Affected: yes.
Comment: Has not been previously published as pathogenic or benign to our knowledge; Not observed in large population cohorts (Lek et al., 2016); Canonical splice site variant in a gene for which loss-of-function is not a known mechanism of disease (Stenson et al., 2014)